The following is an entry in ClinVar:

NM_014915.3(ANKRD26):c.1758G>T (p.Lys586Asn)

Gene: ANKRD26 (ankyrin repeat domain 26; minus strand). Cytogenetic location: 10p12.1.
Variant type: single nucleotide variant.
Coding change: c.1758G>T on transcript NM_014915.3 (MANE Select); coding-DNA position 1758, G replaced by T.
Protein change: p.Lys586Asn; replaces lysine 586 with asparagine.
Molecular consequence: missense variant.
Genome position (GRCh38, 1-based): chr10:27,048,857, C>A on the plus strand (G>T on the coding strand, the complement: ANKRD26 is on the minus strand). VCF-style: chr10-27048857-C-A. GRCh37 (hg19) VCF-style: chr10-27337786-C-A.
Other names: c.1758G>T, p.Lys586Asn (NM_001256053.2); short protein forms K586N.
Identifiers: ClinVar variation 3397527 (VCV003397527.4).

ClinVar aggregate classification (germline): Uncertain significance. Review status: criteria provided, multiple submitters, no conflicts (2 of 4 stars). 2 submissions from 2 submitters: Uncertain significance (2). Last evaluated 2024-12-16.

Conditions:
Inborn genetic diseases. Identifiers: MedGen C0950123, MeSH D030342.

gnomAD v4.1: 11 of 1,613,180 alleles (0.00068%); highest among the groups gnomAD compares: Non-Finnish European, 0.00093%; no homozygotes.

Submissions (2):

Ambry Genetics
Classification: Uncertain significance for Inborn genetic diseases. Last evaluated: 2024-12-16. Review status: criteria provided, single submitter. Criteria: Ambry Variant Classification Scheme 2023. Collection method: clinical testing. Allele origin: germline.
Comment: The p.K586N variant (also known as c.1758G>T), located in coding exon 17 of the ANKRD26 gene, results from a G to T substitution at nucleotide position 1758. The lysine at codon 586 is replaced by asparagine, an amino acid with similar properties. This amino acid position is conserved. In addition, this alteration is predicted to be tolerated by in silico analysis. Based on the available evidence, the clinical significance of this variant remains unclear.

Labcorp Genetics (formerly Invitae), Labcorp
Classification: Uncertain significance. Last evaluated: 2024-09-22. Review status: criteria provided, single submitter. Criteria: Invitae Variant Classification Sherloc (09022015). Collection method: clinical testing. Allele origin: germline.
Comment: This sequence change replaces lysine, which is basic and polar, with asparagine, which is neutral and polar, at codon 586 of the ANKRD26 protein (p.Lys586Asn). This variant is present in population databases (rs763541038, gnomAD 0.002%). This variant has not been reported in the literature in individuals affected with ANKRD26-related conditions. An algorithm developed to predict the effect of missense changes on protein structure and function (PolyPhen-2) suggests that this variant is likely to be tolerated. In summary, the available evidence is currently insufficient to determine the role of this variant in disease. Therefore, it has been classified as a Variant of Uncertain Significance.